The following is an entry in ClinVar:

ClinVar aggregate classification (germline): Uncertain significance (1 of 4 stars; one submission).

Conditions:
Primary ciliary dyskinesia. Also called: Ciliary dyskinesia. Identifiers: Orphanet 244, MedGen C0008780, MONDO:0016575, HP:0012265.

Allele frequency attached by ClinVar (database versions not stated): gnomAD exomes below 0.00001; gnomAD 0.00001.
gnomAD v4.1: 4 of 1,610,670 alleles (0.00025%); highest among the groups gnomAD compares: East Asian, 0.0022%; no homozygotes.

Submission:

Labcorp Genetics (formerly Invitae), Labcorp
Classification: Uncertain significance for Primary ciliary dyskinesia. Last evaluated: 2022-07-30. Review status: criteria provided, single submitter. Criteria: Invitae Variant Classification Sherloc (09022015). Collection method: clinical testing. Allele origin: germline.
Comment: This sequence change replaces serine, which is neutral and polar, with glycine, which is neutral and non-polar, at codon 261 of the DNAI2 protein (p.Ser261Gly). This variant is not present in population databases (gnomAD no frequency). This variant has not been reported in the literature in individuals affected with DNAI2-related conditions. Algorithms developed to predict the effect of missense changes on protein structure and function (SIFT, PolyPhen-2, Align-GVGD) all suggest that this variant is likely to be tolerated. In summary, the available evidence is currently insufficient to determine the role of this variant in disease. Therefore, it has been classified as a Variant of Uncertain Significance.

NM_023036.6(DNAI2):c.781A>G (p.Ser261Gly)

Gene: DNAI2 (dynein axonemal intermediate chain 2; plus strand). Cytogenetic location: 17q25.1.
Variant type: single nucleotide variant.
Coding change: c.781A>G on transcript NM_023036.6 (MANE Select); coding-DNA position 781, A replaced by G.
Protein change: p.Ser261Gly; replaces serine 261 with glycine.
Molecular consequence: missense variant. On other transcripts: non-coding transcript variant (1).
Genome position (GRCh38, 1-based): chr17:74,299,774, A>G. VCF-style: chr17-74299774-A-G. GRCh37 (hg19) VCF-style: chr17-72295913-A-G.
Other names: c.781A>G, p.Ser261Gly (NM_001172810.3, NM_001353167.2); short protein forms S261G.
Identifiers: ClinVar variation 2186935 (VCV002186935.1), dbSNP rs1340319164, ClinGen allele CA400908549.